The following is an entry in ClinVar:

NM_000203.5(IDUA):c.1033C>T (p.Leu345Phe)

Gene: IDUA (alpha-L-iduronidase; plus strand). Cytogenetic location: 4p16.3.
Variant type: single nucleotide variant.
Coding change: c.1033C>T on transcript NM_000203.5 (MANE Select); coding-DNA position 1033, C replaced by T.
Protein change: p.Leu345Phe; replaces leucine 345 with phenylalanine.
Molecular consequence: missense variant. On other transcripts: non-coding transcript variant (1).
Genome position (GRCh38, 1-based): chr4:1,002,329, C>T. VCF-style: chr4-1002329-C-T. GRCh37 (hg19) VCF-style: chr4-996117-C-T.
Other names: c.637C>T, p.Leu213Phe (NM_001363576.1); short protein forms L345F, L213F.
Identifiers: ClinVar variation 2152451 (VCV002152451.3), dbSNP rs1279043542, ClinGen allele CA355963108.

ClinVar aggregate classification (germline): Uncertain significance (1 of 4 stars; one submission).

Conditions:
Mucopolysaccharidosis type 1. Also called: Mucopolysaccharidosis Type I; IDUA deficiency; MPS I. Identifiers: Orphanet 579, MedGen C0023786, MONDO:0001586.

Allele frequency attached by ClinVar (database versions not stated): TOPMed below 0.00001; gnomAD 0.00001.
gnomAD v4.1: 7 of 1,613,162 alleles (0.00043%); highest among the groups gnomAD compares: East Asian, 0.0022%; no homozygotes.

Submission:

Labcorp Genetics (formerly Invitae), Labcorp
Classification: Uncertain significance for Mucopolysaccharidosis type 1. Last evaluated: 2024-04-17. Review status: criteria provided, single submitter. Criteria: Invitae Variant Classification Sherloc (09022015). Collection method: clinical testing. Allele origin: germline.
Comment: This sequence change replaces leucine, which is neutral and non-polar, with phenylalanine, which is neutral and non-polar, at codon 345 of the IDUA protein (p.Leu345Phe). The frequency data for this variant in the population databases is considered unreliable, as metrics indicate poor data quality at this position in the gnomAD database. This variant has not been reported in the literature in individuals affected with IDUA-related conditions. ClinVar contains an entry for this variant (Variation ID: 2152451). Advanced modeling of protein sequence and biophysical properties (such as structural, functional, and spatial information, amino acid conservation, physicochemical variation, residue mobility, and thermodynamic stability) has been performed at Invitae for this missense variant, however the output from this modeling did not meet the statistical confidence thresholds required to predict the impact of this variant on IDUA protein function. In summary, the available evidence is currently insufficient to determine the role of this variant in disease. Therefore, it has been classified as a Variant of Uncertain Significance.